The following is an entry in ClinVar:

NM_152701.5(ABCA13):c.94T>C (p.Trp32Arg)

Gene: ABCA13 (ATP binding cassette subfamily A member 13; plus strand). Cytogenetic location: 7p12.3.
Variant type: single nucleotide variant.
Coding change: c.94T>C on transcript NM_152701.5 (MANE Select); coding-DNA position 94, T replaced by C.
Protein change: p.Trp32Arg; replaces tryptophan 32 with arginine.
Molecular consequence: missense variant.
Genome position (GRCh38, 1-based): chr7:48,192,983, T>C. VCF-style: chr7-48192983-T-C. GRCh37 (hg19) VCF-style: chr7-48232580-T-C.
Other names: short protein forms W32R.
Identifiers: ClinVar variation 724010 (VCV000724010.28), dbSNP rs370921866, ClinGen allele CA4256006.

ClinVar aggregate classification (germline): Benign/Likely benign. Review status: criteria provided, multiple submitters, no conflicts (2 of 4 stars). 3 submissions from 3 submitters: Benign (2); Likely benign (1). Last evaluated 2025-02-01.

Allele frequency attached by ClinVar (database versions not stated): gnomAD exomes 0.00060 and 0.00196; TOPMed 0.00076; gnomAD 0.00079 and 0.00084; ESP Exome Variant Server 0.00088; ExAC 0.00452.
gnomAD v4.1: 1,033 of 1,533,322 alleles (0.067%); highest among the groups gnomAD compares: Admixed American, 0.022%; 5 homozygotes.

Submissions (3):

CeGaT Center for Human Genetics Tuebingen
Classification: Likely benign. Last evaluated: 2025-02-01. Review status: criteria provided, single submitter. Criteria: CeGaT Center For Human Genetics Tuebingen Variant Classification Criteria Version 2. Collection method: clinical testing. Allele origin: germline. Affected: yes. Observed: 2 variant alleles.
Comment: ABCA13: BS1

Labcorp Genetics (formerly Invitae), Labcorp
Classification: Benign. Last evaluated: 2017-12-19. Review status: criteria provided, single submitter. Criteria: Invitae Variant Classification Sherloc (09022015). Collection method: clinical testing. Allele origin: germline.

Breakthrough Genomics
Classification: Benign. Review status: criteria provided, single submitter. Criteria: ACMG Guidelines, 2015. Collection method: not provided. Allele origin: germline. Inheritance: Unknown mechanism. Affected: yes.